The following is an entry in ClinVar:

ClinVar aggregate classification (germline): Likely benign. Review status: reviewed by expert panel (3 of 4 stars). 2 submissions from 2 submitters: Likely benign (1). 1 of the submissions does not count toward it. Last evaluated 2017-06-29.

Conditions:
Breast-ovarian cancer, familial, susceptibility to, 2 (BROVCA2). Also called: BRCA2 Hereditary Breast and Ovarian Cancer. Identifiers: Orphanet 145, MedGen C2675520, MONDO:0012933, OMIM 612555. Disease mechanism: loss of function.
Hereditary breast ovarian cancer syndrome. Also called: Hereditary breast and ovarian cancer syndrome; BRCA1- and BRCA2-Associated Hereditary Breast and Ovarian Cancer; Hereditary breast and/or ovarian cancer syndrome; Hereditary breast and ovarian cancer; Breast and ovarian cancer; Hereditary breast and ovarian cancer syndrome (HBOC). Identifiers: Orphanet 145, MedGen C0677776, MeSH D061325, MONDO:0003582. Disease mechanism: loss of function.

Allele frequency attached by ClinVar (database versions not stated): gnomAD exomes below 0.00001 and 0.00001; ExAC 0.00001.
gnomAD v4.1: 3 of 1,609,960 alleles (0.00019%); highest among the groups gnomAD compares: Non-Finnish European, 0.00025%; no homozygotes.

Submissions (2):

Evidence-based Network for the Interpretation of Germline Mutant Alleles (ENIGMA)
Classification: Likely benign for Breast-ovarian cancer, familial, susceptibility to, 2. Last evaluated: 2017-06-29. Review status: reviewed by expert panel. Criteria: ENIGMA BRCA1/2 Classification Criteria (2017-06-29). Collection method: curation. Allele origin: germline.
Comment: Synonymous substitution variant, with low bioinformatic likelihood to result in a splicing aberration (Splicing prior probability 0.02).

Labcorp Genetics (formerly Invitae), Labcorp
Classification: Likely benign for Hereditary breast ovarian cancer syndrome. Last evaluated: 2022-02-24. Review status: criteria provided, single submitter. Criteria: Invitae Variant Classification Sherloc (09022015). Collection method: clinical testing. Allele origin: germline. Not counted in ClinVar's aggregate classification.

NM_000059.4(BRCA2):c.1326A>G (p.Ser442=)

Gene: BRCA2 (BRCA2 DNA repair associated; plus strand). Cytogenetic location: 13q13.1.
Variant type: single nucleotide variant.
Coding change: c.1326A>G on transcript NM_000059.4 (MANE Select); coding-DNA position 1326, A replaced by G.
Protein change: p.Ser442=; no amino-acid change (serine 442 retained).
Molecular consequence: synonymous variant.
Genome position (GRCh38, 1-based): chr13:32,332,804, A>G. VCF-style: chr13-32332804-A-G. GRCh37 (hg19) VCF-style: chr13-32906941-A-G.
Identifiers: ClinVar variation 427433 (VCV000427433.8), dbSNP rs752685860, ClinGen allele CA6940507.